The following is an entry in ClinVar:

ClinVar aggregate classification (germline): Likely benign (1 of 4 stars; one submission).

Allele frequency attached by ClinVar (database versions not stated): 1000 Genomes Project 30x 0.00156; 1000 Genomes Project 0.00180; ExAC 0.00424; gnomAD 0.00437; TOPMed 0.00482; gnomAD exomes 0.00587; ESP Exome Variant Server 0.00592.
gnomAD v4.1: 9,201 of 1,614,048 alleles (0.57%); highest among the groups gnomAD compares: Middle Eastern, 1%; 23 homozygotes.

Submissions (14):

CeGaT Center for Human Genetics Tuebingen
Classification: Likely benign. Last evaluated: 2024-05-01. Review status: criteria provided, single submitter. Criteria: CeGaT Center For Human Genetics Tuebingen Variant Classification Criteria Version 2. Collection method: clinical testing. Allele origin: germline. Affected: yes. Observed: 2 variant alleles.
Comment: SLC44A2: BS2

Dr. Peter K. Rogan Lab, Western University
No classification provided (evidence only). Condition: Colon adenocarcinoma. Review status: no classification provided. Collection method: in vitro. Allele origin: not applicable. Functional consequence: retained intron. Not counted in ClinVar's aggregate classification.

Dr. Peter K. Rogan Lab, Western University
No classification provided (evidence only). Condition: Uterine corpus endometrial carcinoma. Review status: no classification provided. Collection method: in vitro. Allele origin: not applicable. Functional consequence: retained intron. Not counted in ClinVar's aggregate classification.

Dr. Peter K. Rogan Lab, Western University
No classification provided (evidence only). Condition: Sarcoma. Review status: no classification provided. Collection method: in vitro. Allele origin: not applicable. Functional consequence: retained intron. Not counted in ClinVar's aggregate classification.

Dr. Peter K. Rogan Lab, Western University
No classification provided (evidence only). Condition: Ovarian serous cystadenocarcinoma. Review status: no classification provided. Collection method: in vitro. Allele origin: not applicable. Functional consequence: retained intron. Not counted in ClinVar's aggregate classification.

Dr. Peter K. Rogan Lab, Western University
No classification provided (evidence only). Condition: Ovarian serous cystadenocarcinoma. Review status: no classification provided. Collection method: in vitro. Allele origin: not applicable. Functional consequence: retained intron. Not counted in ClinVar's aggregate classification.

Dr. Peter K. Rogan Lab, Western University
No classification provided (evidence only). Condition: Ovarian serous cystadenocarcinoma. Review status: no classification provided. Collection method: in vitro. Allele origin: not applicable. Functional consequence: retained intron. Not counted in ClinVar's aggregate classification.

Dr. Peter K. Rogan Lab, Western University
No classification provided (evidence only). Condition: Ovarian serous cystadenocarcinoma. Review status: no classification provided. Collection method: in vitro. Allele origin: not applicable. Functional consequence: retained intron. Not counted in ClinVar's aggregate classification.

Dr. Peter K. Rogan Lab, Western University
No classification provided (evidence only). Condition: Ovarian serous cystadenocarcinoma. Review status: no classification provided. Collection method: in vitro. Allele origin: not applicable. Functional consequence: retained intron. Not counted in ClinVar's aggregate classification.

Dr. Peter K. Rogan Lab, Western University
No classification provided (evidence only). Condition: Ovarian serous cystadenocarcinoma. Review status: no classification provided. Collection method: in vitro. Allele origin: not applicable. Functional consequence: retained intron. Not counted in ClinVar's aggregate classification.

Dr. Peter K. Rogan Lab, Western University
No classification provided (evidence only). Condition: Ovarian serous cystadenocarcinoma. Review status: no classification provided. Collection method: in vitro. Allele origin: not applicable. Functional consequence: retained intron. Not counted in ClinVar's aggregate classification.

Dr. Peter K. Rogan Lab, Western University
No classification provided (evidence only). Condition: Gastric cancer. Review status: no classification provided. Collection method: in vitro. Allele origin: not applicable. Functional consequence: retained intron. Not counted in ClinVar's aggregate classification.

Dr. Peter K. Rogan Lab, Western University
No classification provided (evidence only). Condition: Gastric cancer. Review status: no classification provided. Collection method: in vitro. Allele origin: not applicable. Functional consequence: retained intron. Not counted in ClinVar's aggregate classification.

Dr. Peter K. Rogan Lab, Western University
No classification provided (evidence only). Condition: Malignant tumor of esophagus. Review status: no classification provided. Collection method: in vitro. Allele origin: not applicable. Functional consequence: retained intron. Not counted in ClinVar's aggregate classification.

NM_020428.4(SLC44A2):c.1654G>C (p.Glu552Gln)

Gene: SLC44A2 (solute carrier family 44 member 2 (CTL2 blood group); plus strand). Cytogenetic location: 19p13.2.
Variant type: single nucleotide variant.
Coding change: c.1654G>C on transcript NM_020428.4 (MANE Select); coding-DNA position 1654, G replaced by C.
Protein change: p.Glu552Gln; replaces glutamic acid 552 with glutamine.
Molecular consequence: missense variant.
Genome position (GRCh38, 1-based): chr19:10,637,706, G>C. VCF-style: chr19-10637706-G-C. GRCh37 (hg19) VCF-style: chr19-10748382-G-C.
Other names: NC_000019.9:g.10748382G>C; c.1648G>C, p.Glu550Gln (NM_001145056.2); c.1654G>C, p.Glu552Gln (NM_001363611.2); short protein forms E550Q, E552Q.
Identifiers: ClinVar variation 2649299 (VCV002649299.25), dbSNP rs142741358, ClinGen allele CA9198794.